The following is an entry in ClinVar:

ClinVar aggregate classification (germline): Likely benign. Review status: criteria provided, multiple submitters, no conflicts (2 of 4 stars). 3 submissions from 3 submitters: Likely benign (2). 1 of the submissions does not count toward it. Last evaluated 2025-12-28.

Conditions:
Hereditary sensory and autonomic neuropathy type 6. Also called: Neuropathy, hereditary sensory and autonomic, type VI; HSAN VI. Identifiers: Orphanet 314381, MedGen C3539003, MONDO:0013839, OMIM 614653.
Epidermolysis bullosa simplex 3, localized or generalized intermediate, with BP230 deficiency (EBS3). Also called: Epidermolysis bullosa simplex, autosomal recessive 2; Epidermolysis bullosa simplex due to BP230 deficiency. Identifiers: Orphanet 412181, MedGen C3809470, MONDO:0014180, OMIM 615425.
DST-related disorder. Also called: DST-related condition; DST-related disorders.

Allele frequency attached by ClinVar (database versions not stated): gnomAD exomes 0.00006 and 0.00021; ExAC 0.00026; 1000 Genomes Project 30x 0.00047; 1000 Genomes Project 0.00060; gnomAD 0.00074 and 0.00076; TOPMed 0.00083; ESP Exome Variant Server 0.00123.
gnomAD v4.1: 211 of 1,614,064 alleles (0.013%); highest among the groups gnomAD compares: African/African-American, 0.24%; no homozygotes.

Submissions (3):

Labcorp Genetics (formerly Invitae), Labcorp
Classification: Likely benign for Epidermolysis bullosa simplex 3, localized or generalized intermediate, with BP230 deficiency; Hereditary sensory and autonomic neuropathy type 6. Last evaluated: 2025-12-28. Review status: criteria provided, single submitter. Criteria: Invitae Variant Classification Sherloc (09022015). Collection method: clinical testing. Allele origin: germline.

Breakthrough Genomics
Classification: Likely benign. Review status: criteria provided, single submitter. Criteria: ACMG Guidelines, 2015. Collection method: not provided. Allele origin: germline. Inheritance: Autosomal recessive inheritance. Affected: yes.

PreventionGenetics, part of Exact Sciences
Classification: Likely benign for DST-related condition. Last evaluated: 2024-06-26. Review status: no assertion criteria provided. Collection method: clinical testing. Allele origin: germline. Not counted in ClinVar's aggregate classification.
Comment: This variant is classified as likely benign based on ACMG/AMP sequence variant interpretation guidelines (Richards et al. 2015 PMID: 25741868, with internal and published modifications).

NM_001723.7(DST):c.5921A>G (p.Asn1974Ser)

Gene: DST (dystonin; minus strand). Cytogenetic location: 6p12.1.
Variant type: single nucleotide variant.
Coding change: c.5921A>G on transcript NM_001723.7 (MANE Plus Clinical); coding-DNA position 5921, A replaced by G.
Protein change: p.Asn1974Ser; replaces asparagine 1974 with serine.
Molecular consequence: missense variant. On other transcripts: intron variant (10).
Genome position (GRCh38, 1-based): chr6:56,618,113, T>C on the plus strand (A>G on the coding strand, the complement: DST is on the minus strand). VCF-style: chr6-56618113-T-C. GRCh37 (hg19) VCF-style: chr6-56482911-T-C.
Other names: c.4831-3629A>G (NM_001144769.5); c.4930-3629A>G (NM_001374722.1, NM_001374736.1); c.4957-3629A>G (NM_001374734.1); c.4417-3629A>G (NM_001144770.2); c.4297-3629A>G (NM_001374730.1, NM_001386100.1, NM_183380.4 and 1 more transcripts); c.3319-3629A>G (NM_015548.5); short protein forms N1974S.
Identifiers: ClinVar variation 706030 (VCV000706030.13), dbSNP rs147572287, ClinGen allele CA3870280.